The following is an entry in ClinVar:

ClinVar aggregate classification (germline): Uncertain significance. Review status: criteria provided, multiple submitters, no conflicts (2 of 4 stars). 2 submissions from 2 submitters: Uncertain significance (2). Last evaluated 2024-12-16.

Conditions:
Marfan syndrome (MFS). Also called: MARFAN SYNDROME, TYPE I; Marfan syndrome type 1; Marfan's syndrome; Marfan syndrome, classic; FBN1-Related Marfan Syndrome. Identifiers: Orphanet 284963, Orphanet 558, MedGen C0024796, MONDO:0007947, OMIM 154700.
Familial thoracic aortic aneurysm and aortic dissection (TAAD). Also called: Thoracic aortic aneurysms and dissections. Identifiers: Orphanet 91387, MedGen C4707243, MONDO:0019625.

Submissions (2):

Labcorp Genetics (formerly Invitae), Labcorp
Classification: Uncertain significance for Marfan syndrome; Familial thoracic aortic aneurysm and aortic dissection. Last evaluated: 2024-12-16. Review status: criteria provided, single submitter. Criteria: Invitae Variant Classification Sherloc (09022015). Collection method: clinical testing. Allele origin: germline.
Comment: This sequence change replaces serine, which is neutral and polar, with asparagine, which is neutral and polar, at codon 2628 of the FBN1 protein (p.Ser2628Asn). This variant is not present in population databases (gnomAD no frequency). This variant has not been reported in the literature in individuals affected with FBN1-related conditions. ClinVar contains an entry for this variant (Variation ID: 3070215). Invitae Evidence Modeling of protein sequence and biophysical properties (such as structural, functional, and spatial information, amino acid conservation, physicochemical variation, residue mobility, and thermodynamic stability) indicates that this missense variant is expected to disrupt FBN1 protein function with a positive predictive value of 95%. In summary, the available evidence is currently insufficient to determine the role of this variant in disease. Therefore, it has been classified as a Variant of Uncertain Significance.

All of Us Research Program, National Institutes of Health
Classification: Uncertain significance for Marfan syndrome. Last evaluated: 2023-04-03. Review status: criteria provided, single submitter. Criteria: ACMG Guidelines, 2015. Collection method: clinical testing. Allele origin: germline. Inheritance: Autosomal dominant inheritance. Observed: 1 variant allele, 1 heterozygote.
Comment: This missense variant replaces serine with asparagine at codon 2628 of the FBN1 protein. Computational prediction suggests that this variant may have deleterious impact on protein structure and function (internally defined REVEL score threshold >= 0.7, PMID: 27666373). To our knowledge, functional studies have not been reported for this variant. This variant has not been reported in individuals affected with FBN1-related disorders in the literature. This variant has not been identified in the general population by the Genome Aggregation Database (gnomAD). The available evidence is insufficient to determine the role of this variant in disease conclusively. Therefore, this variant is classified as a Variant of Uncertain Significance.

This study involves interpretation of variants in research participants for the purpose of population health screening. Participant phenotype was not available at the time of variant classification. Additional details can be found in publication PMID: 35346344, PMCID: PMC8962531

NM_000138.5(FBN1):c.7883G>A (p.Ser2628Asn)

Gene: FBN1 (fibrillin 1; minus strand). Cytogenetic location: 15q21.1.
Variant type: single nucleotide variant.
Coding change: c.7883G>A on transcript NM_000138.5 (MANE Select); coding-DNA position 7883, G replaced by A.
Protein change: p.Ser2628Asn; replaces serine 2628 with asparagine.
Molecular consequence: missense variant.
Genome position (GRCh38, 1-based): chr15:48,415,704, C>T on the plus strand (G>A on the coding strand, the complement: FBN1 is on the minus strand). VCF-style: chr15-48415704-C-T. GRCh37 (hg19) VCF-style: chr15-48707901-C-T.
Other names: c.7883G>A, p.Ser2628Asn (NM_001406716.1); short protein forms S2628N.
Identifiers: ClinVar variation 3070215 (VCV003070215.3), dbSNP rs2505383897, ClinGen allele CA392323325.